The following is an entry in ClinVar:

NM_007055.4(POLR3A):c.3598G>A (p.Val1200Met)

Gene: POLR3A (RNA polymerase III subunit A; minus strand). Cytogenetic location: 10q22.3.
Variant type: single nucleotide variant.
Coding change: c.3598G>A on transcript NM_007055.4 (MANE Select); coding-DNA position 3598, G replaced by A.
Protein change: p.Val1200Met; replaces valine 1200 with methionine.
Molecular consequence: missense variant.
Genome position (GRCh38, 1-based): chr10:77,982,315, C>T on the plus strand (G>A on the coding strand, the complement: POLR3A is on the minus strand). VCF-style: chr10-77982315-C-T. GRCh37 (hg19) VCF-style: chr10-79742073-C-T.
Other names: short protein forms V1200M.
Identifiers: ClinVar variation 1492150 (VCV001492150.8), dbSNP rs924680937, ClinGen allele CA210188746.
Genomic context (GRCh38, chr10:77,982,315, plus strand): 5'-TTCCACTCTGCTCGTCAATGTGGATGACAGCTCTGGACACCTCTGGAATGCCCTGCACCA[C>T]CACCTGGATTCAGAGACAGAGAAAGCTGTGAGGACGGGGTGAGCCATGCCCTGGGCTGAT-3'
Protein context (NP_008986.2, residues 1190-1210): QFLKEDLPKV[Val1200Met]VQGIPEVSRA

ClinVar aggregate classification (germline): Uncertain significance (1 of 4 stars; one submission).

Submission:

Labcorp Genetics (formerly Invitae), Labcorp
Classification: Uncertain significance. Last evaluated: 2024-02-17. Review status: criteria provided, single submitter. Criteria: Invitae Variant Classification Sherloc (09022015). Collection method: clinical testing. Allele origin: germline.
Comment: This sequence change replaces valine, which is neutral and non-polar, with methionine, which is neutral and non-polar, at codon 1200 of the POLR3A protein (p.Val1200Met). This variant is not present in population databases (gnomAD no frequency). This variant has not been reported in the literature in individuals affected with POLR3A-related conditions. ClinVar contains an entry for this variant (Variation ID: 1492150). Advanced modeling of protein sequence and biophysical properties (such as structural, functional, and spatial information, amino acid conservation, physicochemical variation, residue mobility, and thermodynamic stability) performed at Invitae indicates that this missense variant is not expected to disrupt POLR3A protein function with a negative predictive value of 80%. In summary, the available evidence is currently insufficient to determine the role of this variant in disease. Therefore, it has been classified as a Variant of Uncertain Significance.